The following is an entry in ClinVar:

ClinVar aggregate classification (germline): Uncertain significance. Review status: criteria provided, multiple submitters, no conflicts (2 of 4 stars). 6 submissions from 6 submitters: Uncertain significance (4). 2 of the submissions do not count toward it. Last evaluated 2026-08-05.

Conditions:
Cystic fibrosis (CF). Also called: MUCOVISCIDOSIS. Identifiers: Orphanet 586, MedGen C0010674, MONDO:0009061, OMIM 219700. Disease mechanism: loss of function.

gnomAD v4.1: 3 of 1,609,882 alleles (0.00019%); highest among the groups gnomAD compares: Admixed American, 0.005%; no homozygotes.

Submissions (6):

Ambry Genetics
Classification: Uncertain significance for Cystic fibrosis. Last evaluated: 2026-08-05. Review status: criteria provided, single submitter. Criteria: Ambry Variant Classification Scheme 2023. Collection method: clinical testing. Allele origin: germline.
Comment: The c.1584G>T variant (also known as p.E528D), located in coding exon 11 of the CFTR gene, results from a G to T substitution at nucleotide position 1584. The amino acid change results in glutamic acid to aspartic acid at codon 528, an amino acid with highly similar properties. However, this change occurs in the last base pair of coding exon 11, which makes it likely to have some effect on normal mRNA splicing. This nucleotide position is highly conserved in available vertebrate species. This amino acid position is highly conserved in available vertebrate species. In silico splice site analysis predicts that this alteration will not have any significant effect on splicing. In addition, the in silico prediction for this alteration is inconclusive. Based on the available evidence, the clinical significance of this variant remains unclear.

GeneDx
Classification: Uncertain significance. Last evaluated: 2023-12-18. Review status: criteria provided, single submitter. Criteria: GeneDx Variant Classification Process June 2021. Collection method: clinical testing. Allele origin: germline. Affected: yes.
Comment: Not observed at significant frequency in large population cohorts (gnomAD); In silico analysis supports that this missense variant does not alter protein structure/function; This variant is associated with the following publications: (PMID: 20059485, 30996306)

Genome-Nilou Lab
Classification: Uncertain significance for Cystic fibrosis. Last evaluated: 2021-09-05. Review status: criteria provided, single submitter. Criteria: ACMG Guidelines, 2015. Collection method: clinical testing. Allele origin: germline. Affected: no.

Eurofins Ntd Llc (ga)
Classification: Uncertain significance. Last evaluated: 2017-12-20. Review status: criteria provided, single submitter. Criteria: EGL Classification Definitions 2015. Collection method: clinical testing. Allele origin: germline. Observed: 1 variant allele, 1 heterozygote.

Counsyl
Classification: Uncertain significance for Cystic fibrosis. Last evaluated: 2017-03-30. Review status: no assertion criteria provided. Collection method: clinical testing. Allele origin: unknown. Not counted in ClinVar's aggregate classification.

ClinVar Staff, National Center for Biotechnology Information (NCBI)
No classification provided. Condition: CFTR-related disorders. Review status: no classification provided. Collection method: literature only. Allele origin: germline. Affected: yes. Not counted in ClinVar's aggregate classification.

Literature cited by the submitters: PubMed 20059485 (cited by ClinVar Staff, National Center for Biotechnology Information (NCBI)).

NM_000492.4(CFTR):c.1584G>T (p.Glu528Asp)

Genes: CFTR (CF transmembrane conductance regulator; plus strand), CFTR-AS1 (CFTR antisense RNA 1; minus strand). Cytogenetic location: 7q31.2.
Variant type: single nucleotide variant.
Coding change: c.1584G>T on transcript NM_000492.4 (MANE Select); coding-DNA position 1584, G replaced by T.
Protein change: p.Glu528Asp; replaces glutamic acid 528 with aspartic acid.
Molecular consequence: missense variant.
Genome position (GRCh38, 1-based): chr7:117,559,655, G>T. VCF-style: chr7-117559655-G-T. GRCh37 (hg19) VCF-style: chr7-117199709-G-T.
Other names: short protein forms E528D.
Identifiers: ClinVar variation 53289 (VCV000053289.10), dbSNP rs1800095, ClinGen allele CA326541.